The following is an entry in ClinVar:

NM_000393.5(COL5A2):c.1918C>G (p.Gln640Glu)

Gene: COL5A2 (collagen type V alpha 2 chain; minus strand). Cytogenetic location: 2q32.2.
Variant type: single nucleotide variant.
Coding change: c.1918C>G on transcript NM_000393.5 (MANE Select); coding-DNA position 1918, C replaced by G.
Protein change: p.Gln640Glu; replaces glutamine 640 with glutamic acid.
Molecular consequence: missense variant.
Genome position (GRCh38, 1-based): chr2:189,063,015, G>C on the plus strand (C>G on the coding strand, the complement: COL5A2 is on the minus strand). VCF-style: chr2-189063015-G-C. GRCh37 (hg19) VCF-style: chr2-189927741-G-C.
Other names: c.1918C>G (NM_000393.3); short protein forms Q640E.
Identifiers: ClinVar variation 3624561 (VCV003624561.3).
Genomic context (GRCh38, chr2:189,063,015, plus strand): 5'-TGATAATTTAAATAGTACCTACATTATTTTTCTTTAGCAGAAAATGTATATTTACCCTCT[G>C]CCCAGGAACTCCAGCATTTCCTGCTTCTCCAGGTTTCCCAGGGTCACCCTAAAGAATAAA-3'
Protein context (NP_000384.2, residues 630-650): GEAGNAGVPG[Gln640Glu]RGAPGKDGEV

ClinVar aggregate classification (germline): Conflicting classifications of pathogenicity. Review status: criteria provided, conflicting classifications (1 of 4 stars). 2 submissions from 2 submitters: Uncertain significance (1); Likely benign (1). Last evaluated 2026-09-04.

Conditions:
Familial thoracic aortic aneurysm and aortic dissection (TAAD). Also called: Thoracic aortic aneurysms and dissections. Identifiers: Orphanet 91387, MedGen C4707243, MONDO:0019625.
Ehlers-Danlos syndrome, classic type, 1 (EDSCL1). Also called: Ehlers-Danlos Syndrome, Classic Type, COL5A1-Related; EHLERS-DANLOS SYNDROME, GRAVIS TYPE; EHLERS-DANLOS SYNDROME, SEVERE CLASSIC TYPE; EDS I; Ehlers-Danlos syndrome, type 1. Identifiers: MedGen C0268335, MONDO:0019567, OMIM 130000.

gnomAD v4.1: 6 of 1,613,954 alleles (0.00037%); highest among the groups gnomAD compares: Admixed American, 0.01%; no homozygotes.

Submissions (2):

Ambry Genetics
Classification: Uncertain significance for Familial thoracic aortic aneurysm and aortic dissection. Last evaluated: 2026-09-04. Review status: criteria provided, single submitter. Criteria: Ambry Variant Classification Scheme 2023. Collection method: clinical testing. Allele origin: germline.
Comment: The p.Q640E variant (also known as c.1918C>G), located in coding exon 28 of the COL5A2 gene, results from a C to G substitution at nucleotide position 1918. The glutamine at codon 640 is replaced by glutamic acid, an amino acid with highly similar properties. This amino acid position is conserved. In addition, the in silico prediction for this alteration is inconclusive. Based on the available evidence, the clinical significance of this variant remains unclear.

Labcorp Genetics (formerly Invitae), Labcorp
Classification: Likely benign for Ehlers-Danlos syndrome, classic type, 1. Last evaluated: 2024-10-10. Review status: criteria provided, single submitter. Criteria: Invitae Variant Classification Sherloc (09022015). Collection method: clinical testing. Allele origin: germline.